The following is an entry in ClinVar:

NM_130837.3(OPA1):c.*5+1G>T

Gene: OPA1 (OPA1 mitochondrial dynamin like GTPase; plus strand). Cytogenetic location: 3q29.
Variant type: single nucleotide variant.
Coding change: c.*5+1G>T on transcript NM_130837.3 (MANE Select); the canonical splice donor site of the intron after 5 bases downstream of the stop codon, G replaced by T.
Molecular consequence: splice donor variant.
Genome position (GRCh38, 1-based): chr3:193,692,133, G>T. VCF-style: chr3-193692133-G-T. GRCh37 (hg19) VCF-style: chr3-193409922-G-T.
Other names: c.*5+1G>T (NM_001354664.2, NM_001354663.2, NM_130834.3 and 6 more transcripts).
Identifiers: ClinVar variation 1318899 (VCV001318899.2), dbSNP rs1250028962, ClinGen allele CA548939388.

ClinVar aggregate classification (germline): Uncertain significance (1 of 4 stars; one submission).

Allele frequency attached by ClinVar (database versions not stated): gnomAD exomes 0.00001.

Submission:

GeneDx
Classification: Uncertain significance. Last evaluated: 2019-08-14. Review status: criteria provided, single submitter. Criteria: GeneDx Variant Classification Process June 2021. Collection method: clinical testing. Allele origin: germline. Affected: yes.
Comment: Has not been previously published as pathogenic or benign to our knowledge; Not observed at a significant frequency in large population cohorts (Lek et al., 2016); In silico analysis, which includes splice predictors and evolutionary conservation, suggests this variant may impact gene splicing. In the absence of RNA/functional studies, the actual effect of this sequence change is unknown.